The following is an entry in ClinVar:

ClinVar aggregate classification (germline): Uncertain significance (1 of 4 stars; one submission).

Conditions:
Shprintzen-Goldberg syndrome (SGS). Also called: Marfanoid disorder with craniosynostosis type 1; Marfanoid craniosynostosis syndrome; Shprintzen-Goldberg marfanoid syndrome; SHPRINTZEN-GOLDBERG CRANIOSYNOSTOSIS SYNDROME; CRANIOSYNOSTOSIS WITH ARACHNODACTYLY AND ABDOMINAL HERNIAS. Identifiers: Orphanet 2462, MedGen C1321551, MONDO:0008426, OMIM 182212.

Submission:

Labcorp Genetics (formerly Invitae), Labcorp
Classification: Uncertain significance for Shprintzen-Goldberg syndrome. Last evaluated: 2026-01-19. Review status: criteria provided, single submitter. Criteria: Invitae Variant Classification Sherloc (09022015). Collection method: clinical testing. Allele origin: germline.
Comment: This sequence change replaces arginine, which is basic and polar, with glycine, which is neutral and non-polar, at codon 712 of the SKI protein (p.Arg712Gly). This variant is not present in population databases (gnomAD no frequency). This variant has not been reported in the literature in individuals affected with SKI-related conditions. Invitae Evidence Modeling of protein sequence and biophysical properties (such as structural, functional, and spatial information, amino acid conservation, physicochemical variation, residue mobility, and thermodynamic stability) indicates that this missense variant is not expected to disrupt SKI protein function with a negative predictive value of 95%. In summary, the available evidence is currently insufficient to determine the role of this variant in disease. Therefore, it has been classified as a Variant of Uncertain Significance.

NM_003036.4(SKI):c.2134C>G (p.Arg712Gly)

Gene: SKI (SKI proto-oncogene; plus strand). Cytogenetic location: 1p36.32.
Variant type: single nucleotide variant.
Coding change: c.2134C>G on transcript NM_003036.4 (MANE Select); coding-DNA position 2134, C replaced by G.
Protein change: p.Arg712Gly; replaces arginine 712 with glycine.
Molecular consequence: missense variant.
Genome position (GRCh38, 1-based): chr1:2,306,712, C>G. VCF-style: chr1-2306712-C-G. GRCh37 (hg19) VCF-style: chr1-2238151-C-G.
Other names: short protein forms R712G.
Identifiers: ClinVar variation 4774110 (VCV004774110.1).